The following is an entry in ClinVar:

ClinVar aggregate classification (germline): Conflicting classifications of pathogenicity. Review status: criteria provided, conflicting classifications (1 of 4 stars). 2 submissions from 2 submitters: Uncertain significance (1); Likely benign (1). Last evaluated 2024-12-02.

Allele frequency attached by ClinVar (database versions not stated): gnomAD 0.00003; ExAC 0.00004; gnomAD exomes 0.00005; TOPMed 0.00005; ESP Exome Variant Server 0.00008.
gnomAD v4.1: 72 of 1,614,248 alleles (0.0045%); highest among the groups gnomAD compares: Admixed American, 0.015%; no homozygotes.

Submissions (2):

Labcorp Genetics (formerly Invitae), Labcorp
Classification: Uncertain significance. Last evaluated: 2024-12-02. Review status: criteria provided, single submitter. Criteria: Invitae Variant Classification Sherloc (09022015). Collection method: clinical testing. Allele origin: germline.
Comment: This sequence change replaces valine, which is neutral and non-polar, with isoleucine, which is neutral and non-polar, at codon 493 of the IGSF10 protein (p.Val493Ile). This variant is present in population databases (rs370165815, gnomAD 0.02%). This variant has not been reported in the literature in individuals affected with IGSF10-related conditions. ClinVar contains an entry for this variant (Variation ID: 2896315). An algorithm developed to predict the effect of missense changes on protein structure and function outputs the following: PolyPhen-2: "Benign". The isoleucine amino acid residue is found in multiple mammalian species, which suggests that this missense change does not adversely affect protein function. In summary, the available evidence is currently insufficient to determine the role of this variant in disease. Therefore, it has been classified as a Variant of Uncertain Significance.

Ambry Genetics
Classification: Likely benign. Last evaluated: 2024-01-17. Review status: criteria provided, single submitter. Criteria: Ambry Variant Classification Scheme 2023. Collection method: clinical testing. Allele origin: germline.

NM_178822.5(IGSF10):c.1477G>A (p.Val493Ile)

Gene: IGSF10 (immunoglobulin superfamily member 10; minus strand). Cytogenetic location: 3q25.1.
Variant type: single nucleotide variant.
Coding change: c.1477G>A on transcript NM_178822.5 (MANE Select); coding-DNA position 1477, G replaced by A.
Protein change: p.Val493Ile; replaces valine 493 with isoleucine.
Molecular consequence: missense variant.
Genome position (GRCh38, 1-based): chr3:151,448,504, C>T on the plus strand (G>A on the coding strand, the complement: IGSF10 is on the minus strand). VCF-style: chr3-151448504-C-T. GRCh37 (hg19) VCF-style: chr3-151166292-C-T.
Other names: c.1477G>A, p.Val493Ile (NM_001385060.1, NM_001385061.1, NM_001385062.1 and 1 more transcripts); c.1477G>A (NM_178822.4); short protein forms V493I.
Identifiers: ClinVar variation 2896315 (VCV002896315.4), dbSNP rs370165815, ClinGen allele CA2670539.
Genomic context (GRCh38, chr3:151,448,504, plus strand): 5'-CAGCTAGAAGCCAATCCACGTGTGGGGTGGGGTCTCCTTGGCCTGGGCAGTTCAGGCCAA[C>T]GGTTCCACCTACCAAGACAGTATGTTCCAGCTTAGTATTGTTATCCCTTGAAATCATAGT-3'
Protein context (NP_849144.2, residues 483-503): LEHTVLVGGT[Val493Ile]GLNCPGQGDP